The following is an entry in ClinVar:

NM_000348.4(SRD5A2):c.109A>G (p.Thr37Ala)

Gene: SRD5A2 (steroid 5 alpha-reductase 2; minus strand). Cytogenetic location: 2p23.1.
Variant type: single nucleotide variant.
Coding change: c.109A>G on transcript NM_000348.4 (MANE Select); coding-DNA position 109, A replaced by G.
Protein change: p.Thr37Ala; replaces threonine 37 with alanine.
Molecular consequence: missense variant.
Genome position (GRCh38, 1-based): chr2:31,580,792, T>C on the plus strand (A>G on the coding strand, the complement: SRD5A2 is on the minus strand). VCF-style: chr2-31580792-T-C. GRCh37 (hg19) VCF-style: chr2-31805862-T-C.
Other names: short protein forms T37A.
Identifiers: ClinVar variation 4798950 (VCV004798950.1).
Genomic context (GRCh38, chr2:31,580,792, plus strand): 5'-CCTGCAGGAACCAGGCGGCGCGGGCTGGCAGGCGGGTAGCCGCCGGCTTCAGGCTCTCCG[T>C]GTGCTTCCCGTAGCCGGAGGGCTTCGCGACGTACAAGGCCAGTGCCCCAAGGGCGACCAA-3'
Protein context (NP_000339.2, residues 27-47): VAKPSGYGKH[Thr37Ala]ESLKPAATRL

ClinVar aggregate classification (germline): Uncertain significance (1 of 4 stars; one submission).

Conditions:
3-Oxo-5 alpha-steroid delta 4-dehydrogenase deficiency (PPSH). Also called: PSEUDOVAGINAL PERINEOSCROTAL HYPOSPADIAS; FAMILIAL INCOMPLETE MALE PSEUDOHERMAPHRODITISM, TYPE 2; 46,XY disorder of sex development due to 5-alpha-reductase 2 deficiency; MALE PSEUDOHERMAPHRODITISM DUE TO 5-ALPHA-REDUCTASE DEFICIENCY. Identifiers: Orphanet 753, MedGen C0268297, MONDO:0009923, OMIM 264600. Disease mechanism: loss of function.

gnomAD v4.1: 53 of 1,612,164 alleles (0.0033%); highest among the groups gnomAD compares: Non-Finnish European, 0.0012%; no homozygotes.

Submission:

Labcorp Genetics (formerly Invitae), Labcorp
Classification: Uncertain significance for 3-Oxo-5 alpha-steroid delta 4-dehydrogenase deficiency. Last evaluated: 2025-11-02. Review status: criteria provided, single submitter. Criteria: Invitae Variant Classification Sherloc (09022015). Collection method: clinical testing. Allele origin: germline.
Comment: This sequence change replaces threonine, which is neutral and polar, with alanine, which is neutral and non-polar, at codon 37 of the SRD5A2 protein (p.Thr37Ala). This variant is present in population databases (rs782140524, gnomAD 0.06%). This variant has not been reported in the literature in individuals affected with SRD5A2-related conditions. Invitae Evidence Modeling of protein sequence and biophysical properties (such as structural, functional, and spatial information, amino acid conservation, physicochemical variation, residue mobility, and thermodynamic stability) indicates that this missense variant is not expected to disrupt SRD5A2 protein function with a negative predictive value of 80%. In summary, the available evidence is currently insufficient to determine the role of this variant in disease. Therefore, it has been classified as a Variant of Uncertain Significance.